The following is an entry in ClinVar:

NM_152703.5(SAMD9L):c.939C>G (p.His313Gln)

Gene: SAMD9L (sterile alpha motif domain containing 9 like; minus strand). Cytogenetic location: 7q21.2.
Variant type: single nucleotide variant.
Coding change: c.939C>G on transcript NM_152703.5 (MANE Select); coding-DNA position 939, C replaced by G.
Protein change: p.His313Gln; replaces histidine 313 with glutamine.
Molecular consequence: missense variant.
Genome position (GRCh38, 1-based): chr7:93,135,033, G>C on the plus strand (C>G on the coding strand, the complement: SAMD9L is on the minus strand). VCF-style: chr7-93135033-G-C. GRCh37 (hg19) VCF-style: chr7-92764346-G-C.
Other names: c.939C>G, p.His313Gln (NM_001303496.3, NM_001303497.3, NM_001303498.3 and 5 more transcripts); short protein forms H313Q.
Identifiers: ClinVar variation 3949764 (VCV003949764.1).

ClinVar aggregate classification (germline): Uncertain significance (1 of 4 stars; one submission).

Conditions:
Inborn genetic diseases. Identifiers: MedGen C0950123, MeSH D030342.

Submission:

Ambry Genetics
Classification: Uncertain significance for Inborn genetic diseases. Last evaluated: 2025-03-20. Review status: criteria provided, single submitter. Criteria: Ambry Variant Classification Scheme 2023. Collection method: clinical testing. Allele origin: germline.
Comment: The p.H313Q variant (also known as c.939C>G), located in coding exon 1 of the SAMD9L gene, results from a C to G substitution at nucleotide position 939. The histidine at codon 313 is replaced by glutamine, an amino acid with highly similar properties. This amino acid position is conserved. In addition, this alteration is predicted to be tolerated by in silico analysis. Based on the available evidence, the clinical significance of this variant remains unclear.